The following is an entry in ClinVar:

NM_001277115.2(DNAH11):c.4319T>C (p.Val1440Ala)

Gene: DNAH11 (dynein axonemal heavy chain 11; plus strand). Cytogenetic location: 7p15.3.
Variant type: single nucleotide variant.
Coding change: c.4319T>C on transcript NM_001277115.2 (MANE Select); coding-DNA position 4319, T replaced by C.
Protein change: p.Val1440Ala; replaces valine 1440 with alanine.
Molecular consequence: missense variant.
Genome position (GRCh38, 1-based): chr7:21,619,164, T>C. VCF-style: chr7-21619164-T-C. GRCh37 (hg19) VCF-style: chr7-21658782-T-C.
Other names: short protein forms V1440A.
Identifiers: ClinVar variation 1409347 (VCV001409347.8), dbSNP rs759450356, ClinGen allele CA4179996.

ClinVar aggregate classification (germline): Uncertain significance (1 of 4 stars; one submission).

Conditions:
Primary ciliary dyskinesia. Also called: Ciliary dyskinesia. Identifiers: Orphanet 244, MedGen C0008780, MONDO:0016575, HP:0012265.

Allele frequency attached by ClinVar (database versions not stated): gnomAD exomes below 0.00001; ExAC 0.00001.
gnomAD v4.1: 1 of 1,613,334 alleles (0.000062%); highest among the groups gnomAD compares: South Asian, 0.0011%; no homozygotes.

Submission:

Labcorp Genetics (formerly Invitae), Labcorp
Classification: Uncertain significance for Primary ciliary dyskinesia. Last evaluated: 2021-02-15. Review status: criteria provided, single submitter. Criteria: Invitae Variant Classification Sherloc (09022015). Collection method: clinical testing. Allele origin: germline.
Comment: This variant is present in population databases (rs759450356, ExAC 0.006%). In summary, the available evidence is currently insufficient to determine the role of this variant in disease. Therefore, it has been classified as a Variant of Uncertain Significance. Advanced modeling of protein sequence and biophysical properties (such as structural, functional, and spatial information, amino acid conservation, physicochemical variation, residue mobility, and thermodynamic stability) performed at Invitae indicates that this missense variant is not expected to disrupt DNAH11 protein function. This variant has not been reported in the literature in individuals with DNAH11-related conditions. This sequence change replaces valine with alanine at codon 1440 of the DNAH11 protein (p.Val1440Ala). The valine residue is moderately conserved and there is a small physicochemical difference between valine and alanine.